The following is an entry in ClinVar:

NM_000535.7(PMS2):c.509A>C (p.His170Pro)

Gene: PMS2 (PMS1 homolog 2, mismatch repair system component; minus strand). Cytogenetic location: 7p22.1.
Variant type: single nucleotide variant.
Coding change: c.509A>C on transcript NM_000535.7 (MANE Select); coding-DNA position 509, A replaced by C.
Protein change: p.His170Pro; replaces histidine 170 with proline.
Molecular consequence: missense variant. On other transcripts: 5 prime UTR variant (2), non-coding transcript variant (1), intron variant (1).
Genome position (GRCh38, 1-based): chr7:6,002,481, T>G on the plus strand (A>C on the coding strand, the complement: PMS2 is on the minus strand). VCF-style: chr7-6002481-T-G. GRCh37 (hg19) VCF-style: chr7-6042112-T-G.
Other names: c.104A>C, p.His35Pro (NM_001018040.1, NM_001322003.2, NM_001322004.2 and 25 more transcripts); c.191A>C, p.His64Pro (NM_001322008.2, NM_001322007.2, NM_001406876.1 and 4 more transcripts); c.509A>C, p.His170Pro (NM_001322006.2, NM_001322014.2, NM_001406869.1 and 8 more transcripts); c.-376A>C (NM_001322011.2, NM_001322012.2); c.200A>C, p.His67Pro (NM_001322015.2, NM_001406875.1, NM_001406877.1 and 6 more transcripts); c.695A>C, p.His232Pro (NM_001406866.1); c.533A>C, p.His178Pro (NM_001406868.1); c.250+1491A>C (NM_001406885.1); short protein forms H178P, H170P, H67P, H232P, H35P, H64P.
Identifiers: ClinVar variation 2451614 (VCV002451614.2), dbSNP rs1583402418, ClinGen allele CA366744215.

ClinVar aggregate classification (germline): Uncertain significance (1 of 4 stars; one submission).

Conditions:
Hereditary cancer-predisposing syndrome. Also called: Neoplastic Syndromes, Hereditary; Tumor predisposition; Hereditary neoplastic syndrome; Hereditary Cancer Syndrome. Identifiers: Orphanet 140162, MedGen C0027672, MeSH D009386, MONDO:0015356.

Submission:

Ambry Genetics
Classification: Uncertain significance for Hereditary cancer-predisposing syndrome. Last evaluated: 2023-01-17. Review status: criteria provided, single submitter. Criteria: Ambry Variant Classification Scheme 2023. Collection method: clinical testing. Allele origin: germline.
Comment: The p.H170P variant (also known as c.509A>C), located in coding exon 5 of the PMS2 gene, results from an A to C substitution at nucleotide position 509. The histidine at codon 170 is replaced by proline, an amino acid with similar properties. This amino acid position is conserved. In addition, this alteration is predicted to be deleterious by in silico analysis. Since supporting evidence is limited at this time, the clinical significance of this alteration remains unclear.